The following is an entry in ClinVar:

ClinVar aggregate classification (germline): Uncertain significance (1 of 4 stars; one submission).

Submission:

GeneDx
Classification: Uncertain significance. Last evaluated: 2025-02-10. Review status: criteria provided, single submitter. Criteria: GeneDx Variant Classification Process June 2021. Collection method: clinical testing. Allele origin: germline. Affected: yes.
Comment: Not observed at significant frequency in large population cohorts (gnomAD); In silico analysis indicates that this missense variant does not alter protein structure/function; Has not been previously published as pathogenic or benign to our knowledge

NM_014927.5(CNKSR2):c.1501G>T (p.Asp501Tyr)

Gene: CNKSR2 (connector enhancer of kinase suppressor of Ras 2; plus strand). Cytogenetic location: Xp22.12.
Variant type: single nucleotide variant.
Coding change: c.1501G>T on transcript NM_014927.5 (MANE Select); coding-DNA position 1501, G replaced by T.
Protein change: p.Asp501Tyr; replaces aspartic acid 501 with tyrosine.
Molecular consequence: missense variant.
Genome position (GRCh38, 1-based): chrX:21,563,345, G>T. VCF-style: chrX-21563345-G-T. GRCh37 (hg19) VCF-style: chrX-21581463-G-T.
Other names: c.1411G>T, p.Asp471Tyr (NM_001168647.3, NM_001330773.2); c.1501G>T, p.Asp501Tyr (NM_001168648.3); c.1354G>T, p.Asp452Tyr (NM_001168649.3, NM_001330770.2); c.1264G>T, p.Asp422Tyr (NM_001330771.2, NM_001330772.2); short protein forms D422Y, D452Y, D471Y, D501Y.
Identifiers: ClinVar variation 4074668 (VCV004074668.1).
Genomic context (GRCh38, chrX:21,563,345, plus strand): 5'-GAATACATGTTTCAGAGAAACAGCAAAAAGGACACAGGGAAGAAGTCAAAAAAGAAGGGT[G>T]ATAAGAGTAATAGCCCAACTCACTATTCATTGCTACCTAGTTTACAAATGGATGCACTGA-3'
Protein context (NP_055742.2, residues 491-511): DTGKKSKKKG[Asp501Tyr]KSNSPTHYSL